The following is an entry in ClinVar:

ClinVar aggregate classification (germline): Uncertain significance (1 of 4 stars; one submission).

Conditions:
Long QT syndrome (LQTS). Identifiers: MedGen C0023976, MeSH D008133, MONDO:0002442. Disease mechanism: loss of function. Inheritance: Various modes of inheritance.

Submission:

Labcorp Genetics (formerly Invitae), Labcorp
Classification: Uncertain significance for Long QT syndrome. Last evaluated: 2022-03-28. Review status: criteria provided, single submitter. Criteria: Invitae Variant Classification Sherloc (09022015). Collection method: clinical testing. Allele origin: germline.
Comment: This sequence change replaces glutamine, which is neutral and polar, with lysine, which is basic and polar, at codon 1693 of the ANK2 protein (p.Gln1693Lys). This variant is not present in population databases (gnomAD no frequency). This variant has not been reported in the literature in individuals affected with ANK2-related conditions. Algorithms developed to predict the effect of missense changes on protein structure and function (SIFT, PolyPhen-2, Align-GVGD) all suggest that this variant is likely to be tolerated. In summary, the available evidence is currently insufficient to determine the role of this variant in disease. Therefore, it has been classified as a Variant of Uncertain Significance.

NM_001148.6(ANK2):c.5077C>A (p.Gln1693Lys)

Gene: ANK2 (ankyrin 2; plus strand). Cytogenetic location: 4q26.
Variant type: single nucleotide variant.
Coding change: c.5077C>A on transcript NM_001148.6 (MANE Select); coding-DNA position 5077, C replaced by A.
Protein change: p.Gln1693Lys; replaces glutamine 1693 with lysine.
Molecular consequence: missense variant. On other transcripts: intron variant (68).
Genome position (GRCh38, 1-based): chr4:113,353,695, C>A. VCF-style: chr4-113353695-C-A. GRCh37 (hg19) VCF-style: chr4-114274851-C-A.
Other names: c.4843C>A, p.Gln1615Lys (NM_001386142.1); c.1477C>A, p.Gln493Lys (NM_001386166.1); c.5218C>A, p.Gln1740Lys (NM_001386174.1); c.5194C>A, p.Gln1732Lys (NM_001386175.1); c.4411+3446C>A (NM_001386186.2, NM_001386148.2); c.4213+3446C>A (NM_001354269.3); c.4291+3446C>A (NM_001386187.2); c.4252+3446C>A (NM_001386147.1); and 35 more; short protein forms Q1615K, Q1740K, Q1693K, Q493K, Q1732K.
Identifiers: ClinVar variation 2190567 (VCV002190567.4), dbSNP rs2505292413, ClinGen allele CA357918052.